The following is an entry in ClinVar:

NM_007118.4(TRIO):c.1209G>A (p.Ser403=)

Gene: TRIO (trio Rho guanine nucleotide exchange factor; plus strand). Cytogenetic location: 5p15.2.
Variant type: single nucleotide variant.
Coding change: c.1209G>A on transcript NM_007118.4 (MANE Select); coding-DNA position 1209, G replaced by A.
Protein change: p.Ser403=; no amino-acid change (serine 403 retained).
Molecular consequence: synonymous variant. On other transcripts: non-coding transcript variant (1).
Genome position (GRCh38, 1-based): chr5:14,297,104, G>A. VCF-style: chr5-14297104-G-A. GRCh37 (hg19) VCF-style: chr5-14297213-G-A.
Identifiers: ClinVar variation 715714 (VCV000715714.8), dbSNP rs189300218, ClinGen allele CA3205587.

ClinVar aggregate classification (germline): Benign/Likely benign. Review status: criteria provided, multiple submitters, no conflicts (2 of 4 stars). 3 submissions from 3 submitters: Benign (2); Likely benign (1). Last evaluated 2026-06-01.

Allele frequency attached by ClinVar (database versions not stated): gnomAD 0.00006 and 0.00007; gnomAD exomes 0.00010 and 0.00049; 1000 Genomes Project 30x 0.00016; 1000 Genomes Project 0.00020; TOPMed 0.00026; ExAC 0.00040.
gnomAD v4.1: 159 of 1,613,634 alleles (0.0099%); highest among the groups gnomAD compares: Admixed American, 0.23%; no homozygotes.

Submissions (3):

CeGaT Center for Human Genetics Tuebingen
Classification: Likely benign. Last evaluated: 2026-06-01. Review status: criteria provided, single submitter. Criteria: CeGaT Center For Human Genetics Tuebingen Variant Classification Criteria Version 2. Collection method: clinical testing. Allele origin: germline. Affected: yes. Observed: 4 variant alleles.
Comment: TRIO: BP4, BP7, BS1

GeneDx
Classification: Benign. Last evaluated: 2020-06-30. Review status: criteria provided, single submitter. Criteria: GeneDx Variant Classification Process June 2021. Collection method: clinical testing. Allele origin: germline. Affected: yes.

Labcorp Genetics (formerly Invitae), Labcorp
Classification: Benign. Last evaluated: 2019-12-31. Review status: criteria provided, single submitter. Criteria: Invitae Variant Classification Sherloc (09022015). Collection method: clinical testing. Allele origin: germline.